The following is an entry in ClinVar:

ClinVar aggregate classification (germline): Uncertain significance (1 of 4 stars; one submission).

Conditions:
Congenital myotonia, autosomal recessive form. Also called: BECKER DISEASE; Becker Generalized Myotonia; myotonia congenita, autosomal recessive. Identifiers: Orphanet 614, MedGen C0751360, MONDO:0009715, OMIM 255700.
Congenital myotonia, autosomal dominant form (THD). Also called: THOMSEN DISEASE; Myotonia congenita autosomal dominant. Identifiers: Orphanet 614, MedGen C2936781, MONDO:0008055, OMIM 160800.

Allele frequency attached by ClinVar (database versions not stated): gnomAD exomes below 0.00001 and 0.00001; ExAC 0.00002.
gnomAD v4.1: 3 of 1,614,234 alleles (0.00019%); highest among the groups gnomAD compares: Non-Finnish European, 0.00025%; no homozygotes.

Submission:

Labcorp Genetics (formerly Invitae), Labcorp
Classification: Uncertain significance for Congenital myotonia, autosomal recessive form; Congenital myotonia, autosomal dominant form. Last evaluated: 2021-09-15. Review status: criteria provided, single submitter. Criteria: Invitae Variant Classification Sherloc (09022015). Collection method: clinical testing. Allele origin: germline.
Comment: In summary, the available evidence is currently insufficient to determine the role of this variant in disease. Therefore, it has been classified as a Variant of Uncertain Significance. Advanced modeling of protein sequence and biophysical properties (such as structural, functional, and spatial information, amino acid conservation, physicochemical variation, residue mobility, and thermodynamic stability) performed at Invitae indicates that this missense variant is expected to disrupt CLCN1 protein function. This variant has not been reported in the literature in individuals affected with CLCN1-related conditions. This variant is present in population databases (rs756669568, ExAC 0.003%). This sequence change replaces isoleucine with threonine at codon 191 of the CLCN1 protein (p.Ile191Thr). The isoleucine residue is highly conserved and there is a moderate physicochemical difference between isoleucine and threonine.

NM_000083.3(CLCN1):c.572T>C (p.Ile191Thr)

Gene: CLCN1 (chloride voltage-gated channel 1; plus strand). Cytogenetic location: 7q34.
Variant type: single nucleotide variant.
Coding change: c.572T>C on transcript NM_000083.3 (MANE Select); coding-DNA position 572, T replaced by C.
Protein change: p.Ile191Thr; replaces isoleucine 191 with threonine.
Molecular consequence: missense variant. On other transcripts: non-coding transcript variant (1).
Genome position (GRCh38, 1-based): chr7:143,321,724, T>C. VCF-style: chr7-143321724-T-C. GRCh37 (hg19) VCF-style: chr7-143018817-T-C.
Other names: short protein forms I191T.
Identifiers: ClinVar variation 1381348 (VCV001381348.6), dbSNP rs756669568, ClinGen allele CA4537006.